The following is an entry in ClinVar:

NM_024426.6(WT1):c.503A>G (p.His168Arg)

Genes: WT1 (WT1 transcription factor; minus strand), LOC107982234 (WT1/WT1-AS bi-directional promoter region; plus strand). Cytogenetic location: 11p13.
Variant type: single nucleotide variant.
Coding change: c.503A>G on transcript NM_024426.6 (MANE Select); coding-DNA position 503, A replaced by G.
Protein change: p.His168Arg; replaces histidine 168 with arginine.
Molecular consequence: missense variant. On other transcripts: non-coding transcript variant (1).
Genome position (GRCh38, 1-based): chr11:32,434,858, T>C on the plus strand (A>G on the coding strand, the complement: WT1 is on the minus strand). VCF-style: chr11-32434858-T-C. GRCh37 (hg19) VCF-style: chr11-32456404-T-C.
Other names: c.503A>G, p.His168Arg (NM_000378.6, NM_024424.5); c.488A>G (NM_024426.4); short protein forms H168R.
Identifiers: ClinVar variation 1504852 (VCV001504852.7), dbSNP rs762660918, ClinGen allele CA064994.

ClinVar aggregate classification (germline): Uncertain significance. Review status: criteria provided, multiple submitters, no conflicts (2 of 4 stars). 2 submissions from 2 submitters: Uncertain significance (2). Last evaluated 2026-07-06.

Conditions:
Drash syndrome (DDS). Also called: NEPHROPATHY, WILMS TUMOR, AND GENITAL ANOMALIES; WILMS TUMOR AND PSEUDO- OR TRUE HERMAPHRODITISM. Identifiers: Orphanet 220, MedGen C0950121, MONDO:0008682, OMIM 194080.
Frasier syndrome. Identifiers: Orphanet 347, MedGen C0950122, MeSH D052159, MONDO:0007635, OMIM 136680.
Wilms tumor 1 (WT1). Also called: Wilms tumor, somatic. Identifiers: Orphanet 654, MedGen CN033288, MONDO:0008679, OMIM 194070.
11p partial monosomy syndrome (WAGR). Also called: CHROMOSOME 11p13 DELETION SYNDROME; WAGR syndrome; WAGR Spectrum Disorder; WAGR Complex. Identifiers: Orphanet 893, MedGen C0206115, MONDO:0008681, OMIM 194072.
Inborn genetic diseases. Identifiers: MedGen C0950123, MeSH D030342.

Allele frequency attached by ClinVar (database versions not stated): gnomAD exomes below 0.00001; ExAC 0.00001.
gnomAD v4.1: 1 of 1,612,458 alleles (0.000062%); highest among the groups gnomAD compares: South Asian, 0.0011%; no homozygotes.

Submissions (2):

Ambry Genetics
Classification: Uncertain significance for Inborn genetic diseases. Last evaluated: 2026-07-06. Review status: criteria provided, single submitter. Criteria: Ambry Variant Classification Scheme 2023. Collection method: clinical testing. Allele origin: germline.
Comment: The p.H163R variant (also known as c.488A>G), located in coding exon 1 of the WT1 gene, results from an A to G substitution at nucleotide position 488. The histidine at codon 163 is replaced by arginine, an amino acid with highly similar properties. This amino acid position is conserved. In addition, the in silico prediction for this alteration is inconclusive. Based on the available evidence, the clinical significance of this variant remains unclear.

Labcorp Genetics (formerly Invitae), Labcorp
Classification: Uncertain significance for Wilms tumor 1; Drash syndrome; 11p partial monosomy syndrome; Frasier syndrome. Last evaluated: 2022-10-20. Review status: criteria provided, single submitter. Criteria: Invitae Variant Classification Sherloc (09022015). Collection method: clinical testing. Allele origin: germline.
Comment: Algorithms developed to predict the effect of missense changes on protein structure and function (SIFT, PolyPhen-2, Align-GVGD) all suggest that this variant is likely to be disruptive. In summary, the available evidence is currently insufficient to determine the role of this variant in disease. Therefore, it has been classified as a Variant of Uncertain Significance. ClinVar contains an entry for this variant (Variation ID: 1504852). This variant has not been reported in the literature in individuals affected with WT1-related conditions. This variant is present in population databases (rs762660918, gnomAD 0.003%). This sequence change replaces histidine, which is basic and polar, with arginine, which is basic and polar, at codon 163 of the WT1 protein (p.His163Arg).